The following is an entry in ClinVar:

ClinVar aggregate classification (germline): Uncertain significance (1 of 4 stars; one submission).

Allele frequency attached by ClinVar (database versions not stated): gnomAD exomes below 0.00001; TOPMed below 0.00001.
gnomAD v4.1: 1 of 1,241,884 alleles (0.000081%); highest among the groups gnomAD compares: Non-Finnish European, 0.0001%; no homozygotes.

Submission:

Labcorp Genetics (formerly Invitae), Labcorp
Classification: Uncertain significance. Last evaluated: 2022-09-26. Review status: criteria provided, single submitter. Criteria: Invitae Variant Classification Sherloc (09022015). Collection method: clinical testing. Allele origin: germline.
Comment: Advanced modeling of protein sequence and biophysical properties (such as structural, functional, and spatial information, amino acid conservation, physicochemical variation, residue mobility, and thermodynamic stability) performed at Invitae indicates that this missense variant is not expected to disrupt HMX1 protein function. This sequence change replaces proline, which is neutral and non-polar, with leucine, which is neutral and non-polar, at codon 316 of the HMX1 protein (p.Pro316Leu). This variant is not present in population databases (gnomAD no frequency). This variant has not been reported in the literature in individuals affected with HMX1-related conditions. In summary, the available evidence is currently insufficient to determine the role of this variant in disease. Therefore, it has been classified as a Variant of Uncertain Significance.

NM_018942.3(HMX1):c.947C>T (p.Pro316Leu)

Gene: HMX1 (H6 family homeobox 1; minus strand). Cytogenetic location: 4p16.1.
Variant type: single nucleotide variant.
Coding change: c.947C>T on transcript NM_018942.3 (MANE Select); coding-DNA position 947, C replaced by T.
Protein change: p.Pro316Leu; replaces proline 316 with leucine.
Molecular consequence: missense variant. On other transcripts: intron variant (1).
Genome position (GRCh38, 1-based): chr4:8,867,793, G>A on the plus strand (C>T on the coding strand, the complement: HMX1 is on the minus strand). VCF-style: chr4-8867793-G-A. GRCh37 (hg19) VCF-style: chr4-8869519-G-A.
Other names: c.394+3428C>T (NM_001306142.2); short protein forms P316L.
Identifiers: ClinVar variation 2415641 (VCV002415641.6), dbSNP rs1577200354, ClinGen allele CA356277406.
Genomic context (GRCh38, chr4:8,867,793, plus strand): 5'-GAGGCGGCGGCCGGGAAGGCGGCCAGCGGGTAGGCGAGGGCCCCGGAGAAGCCGAGCAGC[G>A]GTGGGGGCGGCGCGGGCGCGGCGGGCGCCAGCGGGAAGGGCAGGGTGGCCGGGGGCCCAG-3'
Protein context (NP_061815.2, residues 306-326): LAPAAPAPPP[Pro316Leu]LLGFSGALAY